The following is an entry in ClinVar:

ClinVar aggregate classification (germline): Uncertain significance. Review status: criteria provided, multiple submitters, no conflicts (2 of 4 stars). 2 submissions from 2 submitters: Uncertain significance (2). Last evaluated 2023-08-30.

Conditions:
LZTR1-related schwannomatosis. Also called: Schwannomatosis-2, susceptibility to; Schwannomatosis 2. Identifiers: Orphanet 93921, MedGen C3810283, MONDO:0014299, OMIM 615670.

Allele frequency attached by ClinVar (database versions not stated): TOPMed below 0.00001; gnomAD 0.00001.
gnomAD v4.1: 1 of 1,613,974 alleles (0.000062%); no homozygotes.

Submissions (2):

Baylor Genetics
Classification: Uncertain significance for LZTR1-related schwannomatosis. Last evaluated: 2023-08-30. Review status: criteria provided, single submitter. Criteria: ACMG Guidelines, 2015. Collection method: clinical testing. Allele origin: unknown.

Labcorp Genetics (formerly Invitae), Labcorp
Classification: Uncertain significance. Last evaluated: 2022-07-18. Review status: criteria provided, single submitter. Criteria: Invitae Variant Classification Sherloc (09022015). Collection method: clinical testing. Allele origin: germline.
Comment: This variant is not present in population databases (gnomAD no frequency). In summary, the available evidence is currently insufficient to determine the role of this variant in disease. Therefore, it has been classified as a Variant of Uncertain Significance. Algorithms developed to predict the effect of missense changes on protein structure and function are either unavailable or do not agree on the potential impact of this missense change (SIFT: "Deleterious"; PolyPhen-2: "Probably Damaging"; Align-GVGD: "Class C0"). This missense change has been observed in individual(s) with schwannomatosis (PMID: 25335493, 30442762). This sequence change replaces histidine, which is basic and polar, with arginine, which is basic and polar, at codon 71 of the LZTR1 protein (p.His71Arg).

Literature cited by the submitters: PubMed 25335493 (cited by Labcorp Genetics (formerly Invitae), Labcorp); PubMed 30442762 (cited by Labcorp Genetics (formerly Invitae), Labcorp).

NM_006767.4(LZTR1):c.212A>G (p.His71Arg)

Gene: LZTR1 (leucine zipper like post translational regulator 1; plus strand). Cytogenetic location: 22q11.21.
Variant type: single nucleotide variant.
Coding change: c.212A>G on transcript NM_006767.4 (MANE Select); coding-DNA position 212, A replaced by G.
Protein change: p.His71Arg; replaces histidine 71 with arginine.
Molecular consequence: missense variant.
Genome position (GRCh38, 1-based): chr22:20,983,038, A>G. VCF-style: chr22-20983038-A-G. GRCh37 (hg19) VCF-style: chr22-21337327-A-G.
Other names: short protein forms H71R.
Identifiers: ClinVar variation 2138416 (VCV002138416.5), dbSNP rs1359555609, ClinGen allele CA410778281.